The following is an entry in ClinVar:

ClinVar aggregate classification (germline): Uncertain significance. Review status: criteria provided, multiple submitters, no conflicts (2 of 4 stars). 2 submissions from 2 submitters: Uncertain significance (2). Last evaluated 2025-04-15.

Conditions:
Inborn genetic diseases. Identifiers: MedGen C0950123, MeSH D030342.

Allele frequency attached by ClinVar (database versions not stated): TOPMed 0.00002; ExAC 0.00011.

Submissions (2):

Ambry Genetics
Classification: Uncertain significance for Inborn genetic diseases. Last evaluated: 2025-04-15. Review status: criteria provided, single submitter. Criteria: Ambry Variant Classification Scheme 2023. Collection method: clinical testing. Allele origin: germline.

Labcorp Genetics (formerly Invitae), Labcorp
Classification: Uncertain significance. Last evaluated: 2023-12-18. Review status: criteria provided, single submitter. Criteria: Invitae Variant Classification Sherloc (09022015). Collection method: clinical testing. Allele origin: germline.
Comment: This sequence change replaces alanine, which is neutral and non-polar, with threonine, which is neutral and polar, at codon 361 of the DVL1 protein (p.Ala361Thr). This variant is present in population databases (rs761519572, gnomAD 0.02%). This variant has not been reported in the literature in individuals affected with DVL1-related conditions. Advanced modeling of protein sequence and biophysical properties (such as structural, functional, and spatial information, amino acid conservation, physicochemical variation, residue mobility, and thermodynamic stability) performed at Invitae indicates that this missense variant is expected to disrupt DVL1 protein function with a positive predictive value of 80%. In summary, the available evidence is currently insufficient to determine the role of this variant in disease. Therefore, it has been classified as a Variant of Uncertain Significance.

NM_001330311.2(DVL1):c.1081G>A (p.Ala361Thr)

Gene: DVL1 (dishevelled segment polarity protein 1; minus strand). Cytogenetic location: 1p36.33.
Variant type: single nucleotide variant.
Coding change: c.1081G>A on transcript NM_001330311.2 (MANE Select); coding-DNA position 1081, G replaced by A.
Protein change: p.Ala361Thr; replaces alanine 361 with threonine.
Molecular consequence: missense variant.
Genome position (GRCh38, 1-based): chr1:1,339,413, C>T on the plus strand (G>A on the coding strand, the complement: DVL1 is on the minus strand). VCF-style: chr1-1339413-C-T. GRCh37 (hg19) VCF-style: chr1-1274793-C-T.
Other names: c.1081G>A (NM_004421.2); c.1081G>A, p.Ala361Thr (NM_004421.3); short protein forms A361T.
Identifiers: ClinVar variation 2741094 (VCV002741094.4), dbSNP rs761519572, ClinGen allele CA520220.